The following is an entry in ClinVar:

NM_000179.3(MSH6):c.3824G>C (p.Cys1275Ser)

Gene: MSH6 (mutS homolog 6; plus strand). Cytogenetic location: 2p16.3.
Variant type: single nucleotide variant.
Coding change: c.3824G>C on transcript NM_000179.3 (MANE Select); coding-DNA position 3824, G replaced by C.
Protein change: p.Cys1275Ser; replaces cysteine 1275 with serine.
Molecular consequence: missense variant.
Genome position (GRCh38, 1-based): chr2:47,806,474, G>C. VCF-style: chr2-47806474-G-C. GRCh37 (hg19) VCF-style: chr2-48033613-G-C.
Other names: c.3434G>C, p.Cys1145Ser (NM_001281492.2); c.2918G>C, p.Cys973Ser (NM_001281493.2, NM_001281494.2); short protein forms C1275S, C1145S, C973S.
Identifiers: ClinVar variation 968040 (VCV000968040.11), dbSNP rs150990541, ClinGen allele CA346761257.

ClinVar aggregate classification (germline): Uncertain significance. Review status: criteria provided, multiple submitters, no conflicts (2 of 4 stars). 2 submissions from 2 submitters: Uncertain significance (2). Last evaluated 2023-09-04.

Conditions:
Hereditary nonpolyposis colorectal neoplasms. Identifiers: MedGen C0009405, MeSH D003123.
Lynch syndrome. Identifiers: Orphanet 144, MedGen C4552100, MONDO:0005835. Disease mechanism: loss of function.

Submissions (2):

All of Us Research Program, National Institutes of Health
Classification: Uncertain significance for Lynch syndrome. Last evaluated: 2023-09-04. Review status: criteria provided, single submitter. Criteria: ACMG Guidelines, 2015. Collection method: clinical testing. Allele origin: germline. Inheritance: Autosomal dominant inheritance. Observed: 1 variant allele, 1 heterozygote.
Comment: This missense variant replaces cysteine with serine at codon 1275 of the MSH6 protein. Computational prediction suggests that this variant may not impact protein structure and function (internally defined REVEL score threshold <= 0.5, PMID: 27666373). To our knowledge, functional studies have not been reported for this variant. This variant has not been reported in individuals affected with MSH6-related disorders in the literature. This variant has not been identified in the general population by the Genome Aggregation Database (gnomAD). The available evidence is insufficient to determine the role of this variant in disease conclusively. Therefore, this variant is classified as a Variant of Uncertain Significance.

This study involves interpretation of variants in research participants for the purpose of population health screening. Participant phenotype was not available at the time of variant classification. Additional details can be found in publication PMID: 35346344, PMCID: PMC8962531

Labcorp Genetics (formerly Invitae), Labcorp
Classification: Uncertain significance for Hereditary nonpolyposis colorectal neoplasms. Last evaluated: 2022-07-06. Review status: criteria provided, single submitter. Criteria: Invitae Variant Classification Sherloc (09022015). Collection method: clinical testing. Allele origin: germline.
Comment: In summary, the available evidence is currently insufficient to determine the role of this variant in disease. Therefore, it has been classified as a Variant of Uncertain Significance. Advanced modeling of protein sequence and biophysical properties (such as structural, functional, and spatial information, amino acid conservation, physicochemical variation, residue mobility, and thermodynamic stability) performed at Invitae indicates that this missense variant is not expected to disrupt MSH6 protein function. ClinVar contains an entry for this variant (Variation ID: 968040). This variant has not been reported in the literature in individuals affected with MSH6-related conditions. This variant is not present in population databases (gnomAD no frequency). This sequence change replaces cysteine, which is neutral and slightly polar, with serine, which is neutral and polar, at codon 1275 of the MSH6 protein (p.Cys1275Ser).